The following is an entry in ClinVar:

ClinVar aggregate classification (germline): Uncertain significance (1 of 4 stars; one submission).

Conditions:
Luscan-Lumish syndrome. Identifiers: Orphanet 597738, MedGen C4085873, MONDO:0014791, OMIM 616831.

Submission:

Labcorp Genetics (formerly Invitae), Labcorp
Classification: Uncertain significance for Luscan-Lumish syndrome. Last evaluated: 2021-02-19. Review status: criteria provided, single submitter. Criteria: Invitae Variant Classification Sherloc (09022015). Collection method: clinical testing. Allele origin: germline.
Comment: This sequence change falls in intron 2 of the SETD2 gene. It does not directly change the encoded amino acid sequence of the SETD2 protein. The frequency data for this variant in the population databases is considered unreliable, as metrics indicate insufficient coverage at this position in the ExAC database. This variant has not been reported in the literature in individuals with SETD2-related conditions. Algorithms developed to predict the effect of sequence changes on RNA splicing suggest that this variant may disrupt the consensus splice site, but this prediction has not been confirmed by published transcriptional studies. In summary, the available evidence is currently insufficient to determine the role of this variant in disease. Therefore, it has been classified as a Variant of Uncertain Significance.

NM_014159.7(SETD2):c.88-5T>A

Gene: SETD2 (SET domain containing 2, histone lysine methyltransferase; minus strand). Cytogenetic location: 3p21.31.
Variant type: single nucleotide variant.
Coding change: c.88-5T>A on transcript NM_014159.7 (MANE Select); 5 bases into the intron before coding-DNA position 88, T replaced by A.
Molecular consequence: intron variant.
Genome position (GRCh38, 1-based): chr3:47,124,553, A>T on the plus strand (T>A on the coding strand, the complement: SETD2 is on the minus strand). VCF-style: chr3-47124553-A-T. GRCh37 (hg19) VCF-style: chr3-47166043-A-T.
Other names: c.-45-5T>A (NM_001349370.3).
Identifiers: ClinVar variation 1374318 (VCV001374318.8), dbSNP rs2106730442, ClinGen allele CA2573137164.